The following is an entry in ClinVar:

NM_174936.4(PCSK9):c.641C>T (p.Thr214Ile)

Gene: PCSK9 (proprotein convertase subtilisin/kexin type 9; plus strand). Cytogenetic location: 1p32.3.
Variant type: single nucleotide variant.
Coding change: c.641C>T on transcript NM_174936.4 (MANE Select); coding-DNA position 641, C replaced by T.
Protein change: p.Thr214Ile; replaces threonine 214 with isoleucine.
Molecular consequence: missense variant.
Genome position (GRCh38, 1-based): chr1:55,052,395, C>T. VCF-style: chr1-55052395-C-T. GRCh37 (hg19) VCF-style: chr1-55518068-C-T.
Other names: c.764C>T, p.Thr255Ile (NM_001407240.1); c.641C>T, p.Thr214Ile (NM_001407241.1, NM_001407242.1, NM_001407244.1 and 1 more transcripts); c.584C>T, p.Thr195Ile (NM_001407243.1); c.449C>T, p.Thr150Ile (NM_001407245.1); c.266C>T, p.Thr89Ile (NM_001407246.1); short protein forms T150I, T195I, T214I, T255I, T89I.
Identifiers: ClinVar variation 2430911 (VCV002430911.3), dbSNP rs2523224871, ClinGen allele CA340473598.

ClinVar aggregate classification (germline): Uncertain significance. Review status: criteria provided, multiple submitters, no conflicts (2 of 4 stars). 3 submissions from 3 submitters: Uncertain significance (3). Last evaluated 2026-06-12.

Conditions:
Cardiovascular phenotype. Identifiers: MedGen CN230736.
Familial hypercholesterolemia. Also called: Familial hypercholesterolemias; Familial hypercholesterolaemia. Identifiers: MedGen C0020445, MONDO:0005439.

Allele frequency attached by ClinVar (database versions not stated): gnomAD exomes below 0.00001.
gnomAD v4.1: 2 of 1,613,758 alleles (0.00012%); highest among the groups gnomAD compares: Non-Finnish European, 0.00017%; no homozygotes.

Submissions (3):

Ambry Genetics
Classification: Uncertain significance for Cardiovascular phenotype. Last evaluated: 2026-06-12. Review status: criteria provided, single submitter. Criteria: Ambry Variant Classification Scheme 2023. Collection method: clinical testing. Allele origin: germline.
Comment: The p.T214I variant (also known as c.641C>T), located in coding exon 4 of the PCSK9 gene, results from a C to T substitution at nucleotide position 641. The threonine at codon 214 is replaced by isoleucine, an amino acid with similar properties. This amino acid position is conserved. In addition, this alteration is predicted to be tolerated by in silico analysis. Based on the available evidence, the clinical significance of this variant remains unclear.

Cambridge Genomics Laboratory, East Genomic Laboratory Hub, NHS Genomic Medicine Service
Classification: Uncertain significance for Familial hypercholesterolaemia. Last evaluated: 2026-05-22. Review status: criteria provided, single submitter. Criteria: ACGS Best Practice Guidelines for Variant Classification in Rare Disease 2020. Collection method: clinical testing. Allele origin: germline. Affected: yes.
Comment: PM2_Supporting,PP4

GeneDx
Classification: Uncertain significance. Last evaluated: 2022-08-24. Review status: criteria provided, single submitter. Criteria: GeneDx Variant Classification Process June 2021. Collection method: clinical testing. Allele origin: germline. Affected: yes.
Comment: Has not been previously published as pathogenic or benign to our knowledge; Not observed at significant frequency in large population cohorts (gnomAD); In silico analysis supports that this missense variant does not alter protein structure/function